The following is an entry in ClinVar:

ClinVar aggregate classification (germline): Pathogenic/Likely pathogenic. Review status: criteria provided, multiple submitters, no conflicts (2 of 4 stars). 5 submissions from 5 submitters: Pathogenic (1); Likely pathogenic (3). 1 of the submissions does not count toward it. Last evaluated 2026-07-10.

Conditions:
ABCA4-related disorder. Also called: ABCA4-related condition; ABCA4-related disorders. Identifiers: MedGen CN239167.
Retinal dystrophy. Also called: Inherited retinal dystrophy. Identifiers: Orphanet 71862, MedGen C0854723, MeSH D058499, MONDO:0019118, HP:0000556.

Allele frequency attached by ClinVar (database versions not stated): TOPMed below 0.00001.

Submissions (5):

PreventionGenetics, part of Exact Sciences
Classification: Likely pathogenic for ABCA4-related condition. Last evaluated: 2026-07-10. Review status: criteria provided, single submitter. Criteria: ACMG Guidelines, 2015. Collection method: clinical testing. Allele origin: germline.
Comment: The ABCA4 c.5923G>C variant is predicted to result in the amino acid substitution p.Gly1975Arg. This variant has been reported in multiple individuals with ABCA4 related diseases (Rivera et al. 2000. PubMed ID: 10958763; Collison et al. 2019. PubMed ID: 30204727; Zernant et al. 2017. PubMed ID: 28446513; Supplementary Table S1, Karali et al. 2022. PubMed ID: 36460718; Supplementary Table 1, Weisschuh et al. 2024. PubMed ID: 37734845). An alternate missense change at the same amino acid position (p.Glu1975Val) has been reported in an individual with retinal disease (Maggi et al. 2021. PubMed ID: 33546218). This variant has not been reported in a large population database (gnomAD), indicating this variant is rare. This variant is interpreted as likely pathogenic.

Labcorp Genetics (formerly Invitae), Labcorp
Classification: Pathogenic. Last evaluated: 2023-02-01. Review status: criteria provided, single submitter. Criteria: Invitae Variant Classification Sherloc (09022015). Collection method: clinical testing. Allele origin: germline.
Comment: This sequence change replaces glycine, which is neutral and non-polar, with arginine, which is basic and polar, at codon 1975 of the ABCA4 protein (p.Gly1975Arg). This variant is not present in population databases (gnomAD no frequency). This missense change has been observed in individual(s) with clinical features of Stargardt disease (PMID: 10958763, 30204727; Invitae). In at least one individual the data is consistent with being in trans (on the opposite chromosome) from a pathogenic variant. ClinVar contains an entry for this variant (Variation ID: 99420). Advanced modeling of protein sequence and biophysical properties (such as structural, functional, and spatial information, amino acid conservation, physicochemical variation, residue mobility, and thermodynamic stability) performed at Invitae indicates that this missense variant is expected to disrupt ABCA4 protein function. For these reasons, this variant has been classified as Pathogenic.

Blueprint Genetics
Classification: Likely pathogenic for ABCA4-related disorders. Last evaluated: 2020-01-21. Review status: criteria provided, single submitter. Criteria: ACMG Guidelines, 2015. Collection method: clinical testing. Allele origin: germline. Affected: yes. Observed: 3 variant alleles.

Institute of Human Genetics, Univ. Regensburg, Univ. Regensburg
Classification: Likely pathogenic for Retinal dystrophy. Last evaluated: 2019-01-01. Review status: criteria provided, single submitter. Criteria: ACMG Guidelines, 2015. Collection method: clinical testing. Allele origin: germline. Affected: yes.

Retina International
No classification provided. Review status: no classification provided. Collection method: not provided. Allele origin: not provided. Not counted in ClinVar's aggregate classification.

Literature cited by the submitters: PubMed 10958763 (cited by Labcorp Genetics (formerly Invitae), Labcorp and Institute of Human Genetics, Univ. Regensburg, Univ. Regensburg); PubMed 30204727 (cited by Labcorp Genetics (formerly Invitae), Labcorp and Institute of Human Genetics, Univ. Regensburg, Univ. Regensburg); PubMed 36460718 (cited by Institute of Human Genetics, Univ. Regensburg, Univ. Regensburg).

NM_000350.3(ABCA4):c.5923G>C (p.Gly1975Arg)

Gene: ABCA4 (ATP binding cassette subfamily A member 4; minus strand). Cytogenetic location: 1p22.1.
Variant type: single nucleotide variant.
Coding change: c.5923G>C on transcript NM_000350.3 (MANE Select); coding-DNA position 5923, G replaced by C.
Protein change: p.Gly1975Arg; replaces glycine 1975 with arginine.
Molecular consequence: missense variant.
Genome position (GRCh38, 1-based): chr1:94,007,716, C>G on the plus strand (G>C on the coding strand, the complement: ABCA4 is on the minus strand). VCF-style: chr1-94007716-C-G. GRCh37 (hg19) VCF-style: chr1-94473272-C-G.
Other names: c.5701G>C, p.Gly1901Arg (NM_001425324.1); short protein forms G1975R, G1901R.
Identifiers: ClinVar variation 99420 (VCV000099420.10), dbSNP rs61753036, ClinGen allele CA227356.